The following is an entry in ClinVar:

ClinVar aggregate classification (germline): Conflicting classifications of pathogenicity. Review status: criteria provided, conflicting classifications (1 of 4 stars). 6 submissions from 6 submitters: Uncertain significance (5); Likely benign (1). Last evaluated 2026-01-28.

Conditions:
Inborn genetic diseases. Identifiers: MedGen C0950123, MeSH D030342.
Acute myeloid leukemia (AML). Also called: Leukemia, acute myeloid, somatic; Leukemia, acute myelogenous, somatic; Acute myeloid leukemia, adult; AML adult; Acute non-lymphocytic leukemia; Acute granulocytic leukemia. Identifiers: Orphanet 519, MedGen C0023467, MeSH D015470, MONDO:0018874, OMIM 601626, HP:0004808. Disease mechanism: Constitutively activated FLT3.

Allele frequency attached by ClinVar (database versions not stated): gnomAD exomes below 0.00001; gnomAD 0.00003; TOPMed 0.00007.

Submissions (6):

Labcorp Genetics (formerly Invitae), Labcorp
Classification: Uncertain significance for Acute myeloid leukemia. Last evaluated: 2026-01-28. Review status: criteria provided, single submitter. Criteria: Invitae Variant Classification Sherloc (09022015). Collection method: clinical testing. Allele origin: germline.
Comment: This sequence change replaces glycine, which is neutral and non-polar, with glutamic acid, which is acidic and polar, at codon 122 of the CEBPA protein (p.Gly122Glu). This variant is present in population databases (no rsID available, gnomAD 0.1%). This variant has not been reported in the literature in individuals affected with CEBPA-related conditions. ClinVar contains an entry for this variant (Variation ID: 456682). Invitae Evidence Modeling of protein sequence and biophysical properties (such as structural, functional, and spatial information, amino acid conservation, physicochemical variation, residue mobility, and thermodynamic stability) indicates that this missense variant is not expected to disrupt CEBPA protein function with a negative predictive value of 80%. In summary, the available evidence is currently insufficient to determine the role of this variant in disease. Therefore, it has been classified as a Variant of Uncertain Significance.

Ambry Genetics
Classification: Likely benign for Inborn genetic diseases. Last evaluated: 2024-12-12. Review status: criteria provided, single submitter. Criteria: Ambry Variant Classification Scheme 2023. Collection method: clinical testing. Allele origin: germline.

GeneDx
Classification: Uncertain significance. Last evaluated: 2024-05-20. Review status: criteria provided, single submitter. Criteria: GeneDx Variant Classification Process June 2021. Collection method: clinical testing. Allele origin: germline.
Comment: In silico analysis indicates that this missense variant does not alter protein structure/function; This variant is associated with the following publications: (PMID: 25468431, 15756005, 38590655)

Baylor Genetics
Classification: Uncertain significance for Acute myeloid leukemia. Last evaluated: 2024-03-11. Review status: criteria provided, single submitter. Criteria: ACMG Guidelines, 2015. Collection method: clinical testing. Allele origin: unknown.

Blueprint Genetics
Classification: Uncertain significance. Last evaluated: 2019-01-17. Review status: criteria provided, single submitter. Criteria: ACMG Guidelines, 2015. Collection method: clinical testing. Allele origin: germline.

Fulgent Genetics
Classification: Uncertain significance for Acute myeloid leukemia. Last evaluated: 2018-10-31. Review status: criteria provided, single submitter. Criteria: ACMG Guidelines, 2015. Collection method: clinical testing. Allele origin: unknown.

NM_004364.5(CEBPA):c.365G>A (p.Gly122Glu)

Gene: CEBPA (CCAAT enhancer binding protein alpha; minus strand). Cytogenetic location: 19q13.11.
Variant type: single nucleotide variant.
Coding change: c.365G>A on transcript NM_004364.5 (MANE Select); coding-DNA position 365, G replaced by A.
Protein change: p.Gly122Glu; replaces glycine 122 with glutamic acid.
Molecular consequence: missense variant.
Genome position (GRCh38, 1-based): chr19:33,302,050, C>T on the plus strand (G>A on the coding strand, the complement: CEBPA is on the minus strand). VCF-style: chr19-33302050-C-T. GRCh37 (hg19) VCF-style: chr19-33792956-C-T.
Other names: c.8G>A, p.Gly3Glu (NM_001285829.2); c.470G>A, p.Gly157Glu (NM_001287424.2); c.323G>A, p.Gly108Glu (NM_001287435.2); c.365G>A (NM_004364.3); short protein forms G122E, G108E, G157E, G3E.
Identifiers: ClinVar variation 456682 (VCV000456682.17), dbSNP rs1311096326, ClinGen allele CA405275102.